The following is an entry in ClinVar:

NM_000257.4(MYH7):c.1616T>G (p.Met539Arg)

Gene: MYH7 (myosin heavy chain 7; minus strand). Cytogenetic location: 14q11.2.
Variant type: single nucleotide variant.
Coding change: c.1616T>G on transcript NM_000257.4 (MANE Select); coding-DNA position 1616, T replaced by G.
Protein change: p.Met539Arg; replaces methionine 539 with arginine.
Molecular consequence: missense variant.
Genome position (GRCh38, 1-based): chr14:23,427,857, A>C on the plus strand (T>G on the coding strand, the complement: MYH7 is on the minus strand). VCF-style: chr14-23427857-A-C. GRCh37 (hg19) VCF-style: chr14-23897066-A-C.
Other names: c.1616T>G, p.Met539Arg (NM_001407004.1); short protein forms M539R.
Identifiers: ClinVar variation 5002962 (VCV005002962.1).
Genomic context (GRCh38, chr14:23,427,857, plus strand): 5'-TTGCCCAGGTGGTTGTCAAACAGCTTGGCCTTGAAGGTCATGTCGGTGGCCTTGGGGAAC[A>C]TGCACTCCTCTTCCAGGATGGACATGATGCCCATGGGCTGAGGAAGCAGGAGAGAGCATC-3'
Protein context (NP_000248.2, residues 529-549): GIMSILEEEC[Met539Arg]FPKATDMTFK

ClinVar aggregate classification (germline): Uncertain significance (1 of 4 stars; one submission).

Conditions:
Dilated cardiomyopathy 1S (CMD1S). Identifiers: Orphanet 154, Orphanet 54260, MedGen C1834481, MONDO:0013262, OMIM 613426.

Submission:

OLLIN Analises Genomicas, OLLIN
Classification: Uncertain significance for Dilated cardiomyopathy 1S. Last evaluated: 2026-08-06. Review status: criteria provided, single submitter. Criteria: ACMG Guidelines 2015 PMID 25741868. Collection method: clinical testing. Allele origin: germline. Inheritance: Autosomal dominant inheritance.
Comment: This missense variant, located in exon 16 (of 40), is absent from gnomAD and ClinVar but has been reported in the scientific literature in individuals with MYH7 related disorders (PMID: 29300372). In silico analysis predicts that this variant has a deleterious effect. Another pathogenic variant affecting the same amino acid residue has been reported. According to the currently available evidence, this variant has been classified as uncertain significance (PM2_P, PP3, PM5).

Literature cited by the submitters: PubMed 29300372.